The following continues an entry in ClinVar:

NM_006506.5(RASA2):c.2016T>C (p.Asn672=)

Gene: RASA2. ClinVar aggregate classification (germline): Benign. Benign (5).

Submissions 30 to 50 of 50:

Dr. Peter K. Rogan Lab, Western University
No classification provided (evidence only). Condition: Familial pancreatic carcinoma. Review status: no classification provided. Collection method: in vitro. Allele origin: not applicable. Functional consequence: retained intron. Not counted in ClinVar's aggregate classification.

Dr. Peter K. Rogan Lab, Western University
No classification provided (evidence only). Condition: Familial pancreatic carcinoma. Review status: no classification provided. Collection method: in vitro. Allele origin: not applicable. Functional consequence: retained intron. Not counted in ClinVar's aggregate classification.

Dr. Peter K. Rogan Lab, Western University
No classification provided (evidence only). Condition: Familial pancreatic carcinoma. Review status: no classification provided. Collection method: in vitro. Allele origin: not applicable. Functional consequence: retained intron. Not counted in ClinVar's aggregate classification.

Dr. Peter K. Rogan Lab, Western University
No classification provided (evidence only). Condition: Familial pancreatic carcinoma. Review status: no classification provided. Collection method: in vitro. Allele origin: not applicable. Functional consequence: retained intron. Not counted in ClinVar's aggregate classification.

Dr. Peter K. Rogan Lab, Western University
No classification provided (evidence only). Condition: Familial pancreatic carcinoma. Review status: no classification provided. Collection method: in vitro. Allele origin: not applicable. Functional consequence: retained intron. Not counted in ClinVar's aggregate classification.

Dr. Peter K. Rogan Lab, Western University
No classification provided (evidence only). Condition: Familial pancreatic carcinoma. Review status: no classification provided. Collection method: in vitro. Allele origin: not applicable. Functional consequence: retained intron. Not counted in ClinVar's aggregate classification.

Dr. Peter K. Rogan Lab, Western University
No classification provided (evidence only). Condition: Familial pancreatic carcinoma. Review status: no classification provided. Collection method: in vitro. Allele origin: not applicable. Functional consequence: retained intron. Not counted in ClinVar's aggregate classification.

Dr. Peter K. Rogan Lab, Western University
No classification provided (evidence only). Condition: Familial pancreatic carcinoma. Review status: no classification provided. Collection method: in vitro. Allele origin: not applicable. Functional consequence: retained intron. Not counted in ClinVar's aggregate classification.

Dr. Peter K. Rogan Lab, Western University
No classification provided (evidence only). Condition: Lymphoma. Review status: no classification provided. Collection method: in vitro. Allele origin: not applicable. Functional consequence: retained intron. Not counted in ClinVar's aggregate classification.

Dr. Peter K. Rogan Lab, Western University
No classification provided (evidence only). Condition: Lymphoma. Review status: no classification provided. Collection method: in vitro. Allele origin: not applicable. Functional consequence: retained intron. Not counted in ClinVar's aggregate classification.

Dr. Peter K. Rogan Lab, Western University
No classification provided (evidence only). Condition: Lymphoma. Review status: no classification provided. Collection method: in vitro. Allele origin: not applicable. Functional consequence: retained intron. Not counted in ClinVar's aggregate classification.

Dr. Peter K. Rogan Lab, Western University
No classification provided (evidence only). Condition: Lymphoma. Review status: no classification provided. Collection method: in vitro. Allele origin: not applicable. Functional consequence: retained intron. Not counted in ClinVar's aggregate classification.

Dr. Peter K. Rogan Lab, Western University
No classification provided (evidence only). Condition: Lymphoma. Review status: no classification provided. Collection method: in vitro. Allele origin: not applicable. Functional consequence: retained intron. Not counted in ClinVar's aggregate classification.

Dr. Peter K. Rogan Lab, Western University
No classification provided (evidence only). Condition: Lymphoma. Review status: no classification provided. Collection method: in vitro. Allele origin: not applicable. Functional consequence: retained intron. Not counted in ClinVar's aggregate classification.

Dr. Peter K. Rogan Lab, Western University
No classification provided (evidence only). Condition: Lymphoma. Review status: no classification provided. Collection method: in vitro. Allele origin: not applicable. Functional consequence: retained intron. Not counted in ClinVar's aggregate classification.

Dr. Peter K. Rogan Lab, Western University
No classification provided (evidence only). Condition: Lymphoma. Review status: no classification provided. Collection method: in vitro. Allele origin: not applicable. Functional consequence: retained intron. Not counted in ClinVar's aggregate classification.

Dr. Peter K. Rogan Lab, Western University
No classification provided (evidence only). Condition: Lymphoma. Review status: no classification provided. Collection method: in vitro. Allele origin: not applicable. Functional consequence: retained intron. Not counted in ClinVar's aggregate classification.

Dr. Peter K. Rogan Lab, Western University
No classification provided (evidence only). Condition: Ovarian cancer. Review status: no classification provided. Collection method: in vitro. Allele origin: not applicable. Functional consequence: retained intron. Not counted in ClinVar's aggregate classification.

Dr. Peter K. Rogan Lab, Western University
No classification provided (evidence only). Condition: Ovarian cancer. Review status: no classification provided. Collection method: in vitro. Allele origin: not applicable. Functional consequence: retained intron. Not counted in ClinVar's aggregate classification.

Dr. Peter K. Rogan Lab, Western University
No classification provided (evidence only). Condition: Ovarian cancer. Review status: no classification provided. Collection method: in vitro. Allele origin: not applicable. Functional consequence: retained intron. Not counted in ClinVar's aggregate classification.

Dr. Peter K. Rogan Lab, Western University
No classification provided (evidence only). Condition: Ovarian cancer. Review status: no classification provided. Collection method: in vitro. Allele origin: not applicable. Functional consequence: retained intron. Not counted in ClinVar's aggregate classification.